The following is an entry in ClinVar:

NM_000492.4(CFTR):c.2495G>A (p.Cys832Tyr)

Gene: CFTR (CF transmembrane conductance regulator; plus strand). Cytogenetic location: 7q31.2.
Variant type: single nucleotide variant.
Coding change: c.2495G>A on transcript NM_000492.4 (MANE Select); coding-DNA position 2495, G replaced by A.
Protein change: p.Cys832Tyr; replaces cysteine 832 with tyrosine.
Molecular consequence: missense variant.
Genome position (GRCh38, 1-based): chr7:117,594,934, G>A. VCF-style: chr7-117594934-G-A. GRCh37 (hg19) VCF-style: chr7-117234988-G-A.
Other names: short protein forms C832Y.
Identifiers: ClinVar variation 1435170 (VCV001435170.5), dbSNP rs565589205, ClinGen allele CA4451213.

ClinVar aggregate classification (germline): Uncertain significance (1 of 4 stars; one submission).

Conditions:
Cystic fibrosis (CF). Also called: MUCOVISCIDOSIS. Identifiers: Orphanet 586, MedGen C0010674, MONDO:0009061, OMIM 219700. Disease mechanism: loss of function.

Allele frequency attached by ClinVar (database versions not stated): gnomAD exomes 0.00003; ExAC 0.00004; gnomAD 0.00001; 1000 Genomes Project 30x 0.00016; 1000 Genomes Project 0.00020.
gnomAD v4.1: 24 of 1,612,836 alleles (0.0015%); highest among the groups gnomAD compares: South Asian, 0.025%; 1 homozygote.

Submission:

Labcorp Genetics (formerly Invitae), Labcorp
Classification: Uncertain significance for Cystic fibrosis. Last evaluated: 2021-09-01. Review status: criteria provided, single submitter. Criteria: Invitae Variant Classification Sherloc (09022015). Collection method: clinical testing. Allele origin: germline.
Comment: This sequence change replaces cysteine with tyrosine at codon 832 of the CFTR protein (p.Cys832Tyr). The cysteine residue is moderately conserved and there is a large physicochemical difference between cysteine and tyrosine. This variant is present in population databases (rs565589205, ExAC 0.03%). This variant has not been reported in the literature in individuals affected with CFTR-related conditions. Algorithms developed to predict the effect of missense changes on protein structure and function output the following: SIFT: "Tolerated"; PolyPhen-2: "Benign"; Align-GVGD: "Class C0". The tyrosine amino acid residue is found in multiple mammalian species, which suggests that this missense change does not adversely affect protein function. In summary, the available evidence is currently insufficient to determine the role of this variant in disease. Therefore, it has been classified as a Variant of Uncertain Significance.